The following is an entry in ClinVar:

ClinVar aggregate classification (germline): Uncertain significance (1 of 4 stars; one submission).

Submission:

GeneDx
Classification: Uncertain significance. Last evaluated: 2019-07-02. Review status: criteria provided, single submitter. Criteria: GeneDx Variant Classification Process June 2021. Collection method: clinical testing. Allele origin: germline. Affected: yes.
Comment: Not observed in large population cohorts (Lek et al., 2016); In silico analysis, which includes protein predictors and evolutionary conservation, supports a deleterious effect; Has not been previously published as pathogenic or benign to our knowledge

NM_012479.4(YWHAG):c.43G>A (p.Glu15Lys)

Gene: YWHAG (tyrosine 3-monooxygenase/tryptophan 5-monooxygenase activation protein gamma; minus strand). Cytogenetic location: 7q11.23.
Variant type: single nucleotide variant.
Coding change: c.43G>A on transcript NM_012479.4 (MANE Select); coding-DNA position 43, G replaced by A.
Protein change: p.Glu15Lys; replaces glutamic acid 15 with lysine.
Molecular consequence: missense variant.
Genome position (GRCh38, 1-based): chr7:76,358,766, C>T on the plus strand (G>A on the coding strand, the complement: YWHAG is on the minus strand). VCF-style: chr7-76358766-C-T. GRCh37 (hg19) VCF-style: chr7-75988083-C-T.
Other names: short protein forms E15K.
Identifiers: ClinVar variation 1306890 (VCV001306890.2), dbSNP rs2115667108, ClinGen allele CA367758307.
Genomic context (GRCh38, chr7:76,358,766, plus strand): 5'-GGGAGGAGACACTCACGTTCTTCATGGCCGCGGCCATGTCGTCGTAGCGCTCCGCCTGCT[C>T]GGCCAGCCGGGCTTTCTGCACCAGTTGCTCGCGGTCCACCATCTTCGCGGGGCTGGGTCT-3'
Protein context (NP_036611.2, residues 5-25): EQLVQKARLA[Glu15Lys]QAERYDDMAA